The following is an entry in ClinVar:

ClinVar aggregate classification (germline): Likely benign (1 of 4 stars; one submission).

Allele frequency attached by ClinVar (database versions not stated): gnomAD exomes 0.00084; gnomAD 0.00623 and 0.00656; TOPMed 0.00699; 1000 Genomes Project 30x 0.00796; 1000 Genomes Project 0.00799.
gnomAD v4.1: 1,932 of 1,319,748 alleles (0.15%); highest among the groups gnomAD compares: African/African-American, 2.2%; 19 homozygotes.

Submission:

GeneDx
Classification: Likely benign. Last evaluated: 2018-06-14. Review status: criteria provided, single submitter. Criteria: GeneDx Variant Classification (06012015). Collection method: clinical testing. Allele origin: germline. Affected: yes.
Comment: This variant is considered likely benign or benign based on one or more of the following criteria: it is a conservative change, it occurs at a poorly conserved position in the protein, it is predicted to be benign by multiple in silico algorithms, and/or has population frequency not consistent with disease.

NM_003242.6(TGFBR2):c.1397-116G>A

Gene: TGFBR2 (transforming growth factor beta receptor 2; plus strand). Cytogenetic location: 3p24.1.
Variant type: single nucleotide variant.
Coding change: c.1397-116G>A on transcript NM_003242.6 (MANE Select); 116 bases into the intron before coding-DNA position 1397, G replaced by A.
Molecular consequence: intron variant.
Genome position (GRCh38, 1-based): chr3:30,688,268, G>A. VCF-style: chr3-30688268-G-A. GRCh37 (hg19) VCF-style: chr3-30729760-G-A.
Other names: c.1400-116G>A (NM_001407129.1); c.1292-116G>A (NM_001407132.1, NM_001407136.1, NM_001407133.1 and 2 more transcripts); c.1580-116G>A (NM_001407126.1); c.1472-116G>A (NM_001024847.3); c.530-119G>A (NM_001407139.1); c.1112-116G>A (NM_001407137.1); c.1505-116G>A (NM_001407127.1); c.1397-119G>A (NM_001407130.1); and 2 more.
Identifiers: ClinVar variation 675761 (VCV000675761.2), dbSNP rs11466526, ClinGen allele CA71543449.